The following is an entry in ClinVar:

NM_000138.5(FBN1):c.6393C>T (p.Cys2131=)

Gene: FBN1 (fibrillin 1; minus strand). Cytogenetic location: 15q21.1.
Variant type: single nucleotide variant.
Coding change: c.6393C>T on transcript NM_000138.5 (MANE Select); coding-DNA position 6393, C replaced by T.
Protein change: p.Cys2131=; no amino-acid change (cysteine 2131 retained).
Molecular consequence: synonymous variant.
Genome position (GRCh38, 1-based): chr15:48,437,064, G>A on the plus strand (C>T on the coding strand, the complement: FBN1 is on the minus strand). VCF-style: chr15-48437064-G-A. GRCh37 (hg19) VCF-style: chr15-48729261-G-A.
Other names: p.C2131C:TGC>TGT; p.Cys2131=.
Identifiers: ClinVar variation 137311 (VCV000137311.39), dbSNP rs61730051, ClinGen allele CA016403.

ClinVar aggregate classification (germline): Benign/Likely benign. Review status: criteria provided, multiple submitters, no conflicts (2 of 4 stars). 17 submissions from 11 submitters: Benign (13); Likely benign (2). 2 of the submissions do not count toward it. Last evaluated 2026-02-01.

Conditions:
Geleophysic dysplasia. Identifiers: Orphanet 2623, MedGen C3489726, MONDO:0000127.
Marfan syndrome (MFS). Also called: FBN1-Related Marfan Syndrome; MARFAN SYNDROME, TYPE I; Marfan syndrome, classic; Marfan syndrome type 1; Marfan's syndrome. Identifiers: Orphanet 284963, Orphanet 558, MedGen C0024796, MONDO:0007947, OMIM 154700.
Familial thoracic aortic aneurysm and aortic dissection (TAAD). Also called: Thoracic aortic aneurysms and dissections. Identifiers: Orphanet 91387, MedGen C4707243, MONDO:0019625.
Weill-Marchesani syndrome. Also called: WM Syndrome; Mesodermal dysmorphodystrophy congenital. Identifiers: Orphanet 3449, MedGen C0265313, MONDO:0018096.
Acromicric dysplasia (ACMICD). Also called: Acromicric skeletal dysplasia. Identifiers: Orphanet 969, MedGen C0265287, MONDO:0007055, OMIM 102370.
Stiff skin syndrome (SSKS). Identifiers: Orphanet 2833, MedGen C1861456, MONDO:0008492, OMIM 184900.
Ectopia lentis 1, isolated, autosomal dominant (ECTOL1). Identifiers: Orphanet 1885, MedGen C3541518, MONDO:0007514, OMIM 129600.

Allele frequency attached by ClinVar (database versions not stated): 1000 Genomes Project 30x 0.00781; gnomAD 0.00500 and 0.00522; ExAC 0.00154; TOPMed 0.00562; ESP Exome Variant Server 0.00585; gnomAD exomes 0.00041 and 0.00116; 1000 Genomes Project 0.00699.
gnomAD v4.1: 1,384 of 1,610,894 alleles (0.086%); highest among the groups gnomAD compares: African/African-American, 1.7%; 9 homozygotes.

Submissions (17):

Labcorp Genetics (formerly Invitae), Labcorp
Classification: Benign for Marfan syndrome; Familial thoracic aortic aneurysm and aortic dissection. Last evaluated: 2026-02-01. Review status: criteria provided, single submitter. Criteria: Invitae Variant Classification Sherloc (09022015). Collection method: clinical testing. Allele origin: germline.

ARUP Laboratories, Molecular Genetics and Genomics, ARUP Laboratories
Classification: Benign. Last evaluated: 2025-04-27. Review status: criteria provided, single submitter. Criteria: ARUP Molecular Germline Variant Investigation Process 2024. Collection method: clinical testing. Allele origin: germline.

Blueprint Genetics
Classification: Likely benign. Last evaluated: 2024-11-25. Review status: criteria provided, single submitter. Criteria: ACMG Guidelines, 2015. Collection method: clinical testing. Allele origin: germline.

Mayo Clinic Laboratories, Mayo Clinic
Classification: Benign. Last evaluated: 2023-01-31. Review status: criteria provided, single submitter. Criteria: ACMG Guidelines, 2015. Collection method: clinical testing. Allele origin: germline. Observed: 5 variant alleles.
Comment: BS1, BS2, BP4, BP7

Color Diagnostics, LLC DBA Color Health
Classification: Benign for Familial thoracic aortic aneurysm and aortic dissection. Last evaluated: 2018-03-14. Review status: criteria provided, single submitter. Criteria: ACMG Guidelines, 2015. Collection method: clinical testing. Allele origin: germline.

Illumina Laboratory Services, Illumina
Classification: Benign for Marfan syndrome. Last evaluated: 2018-01-12. Review status: criteria provided, single submitter. Criteria: ICSL Variant Classification Criteria 13 December 2019. Collection method: clinical testing. Allele origin: germline.
Comment: This variant was observed in the ICSL laboratory as part of a predisposition screen in an ostensibly healthy population. It had not been previously curated by ICSL or reported in the Human Gene Mutation Database (HGMD: prior to June 1st, 2018), and was therefore a candidate for classification through an automated scoring system. Utilizing variant allele frequency, disease prevalence and penetrance estimates, and inheritance mode, an automated score was calculated to assess if this variant is too frequent to cause the disease. Based on the score and internal cut-off values, a variant classified as benign is not then subjected to further curation. The score for this variant resulted in a classification of benign for this disease.

Illumina Laboratory Services, Illumina
Classification: Benign for Weill-Marchesani syndrome. Last evaluated: 2018-01-12. Review status: criteria provided, single submitter. Criteria: ICSL Variant Classification Criteria 13 December 2019. Collection method: clinical testing. Allele origin: germline.
Comment: the same text as in the submission from Illumina Laboratory Services, Illumina above.

Illumina Laboratory Services, Illumina
Classification: Likely benign for Familial thoracic aortic aneurysm and aortic dissection. Last evaluated: 2018-01-12. Review status: criteria provided, single submitter. Criteria: ICSL Variant Classification Criteria 13 December 2019. Collection method: clinical testing. Allele origin: germline.
Comment: This variant was observed in the ICSL laboratory as part of a predisposition screen in an ostensibly healthy population. It had not been previously curated by ICSL or reported in the Human Gene Mutation Database (HGMD: prior to June 1st, 2018), and was therefore a candidate for classification through an automated scoring system. Utilizing variant allele frequency, disease prevalence and penetrance estimates, and inheritance mode, an automated score was calculated to assess if this variant is too frequent to cause the disease. Based on the score and internal cut-off values, a variant classified as likely benign is not then subjected to further curation. The score for this variant resulted in a classification of likely benign for this disease.

Illumina Laboratory Services, Illumina
Classification: Benign for Geleophysic dysplasia. Last evaluated: 2018-01-12. Review status: criteria provided, single submitter. Criteria: ICSL Variant Classification Criteria 13 December 2019. Collection method: clinical testing. Allele origin: germline.
Comment: the same text as in the submission from Illumina Laboratory Services, Illumina above.

Illumina Laboratory Services, Illumina
Classification: Benign for Ectopia lentis 1, isolated, autosomal dominant. Last evaluated: 2018-01-12. Review status: criteria provided, single submitter. Criteria: ICSL Variant Classification Criteria 13 December 2019. Collection method: clinical testing. Allele origin: germline.
Comment: the same text as in the submission from Illumina Laboratory Services, Illumina above.

Illumina Laboratory Services, Illumina
Classification: Benign for Stiff skin syndrome. Last evaluated: 2018-01-12. Review status: criteria provided, single submitter. Criteria: ICSL Variant Classification Criteria 13 December 2019. Collection method: clinical testing. Allele origin: germline.
Comment: the same text as in the submission from Illumina Laboratory Services, Illumina above.

Illumina Laboratory Services, Illumina
Classification: Benign for Acromicric dysplasia. Last evaluated: 2018-01-12. Review status: criteria provided, single submitter. Criteria: ICSL Variant Classification Criteria 13 December 2019. Collection method: clinical testing. Allele origin: germline.
Comment: the same text as in the submission from Illumina Laboratory Services, Illumina above.

Ambry Genetics
Classification: Benign for Familial thoracic aortic aneurysm and aortic dissection. Last evaluated: 2015-03-04. Review status: criteria provided, single submitter. Criteria: Ambry Variant Classification Scheme 2023. Collection method: clinical testing. Allele origin: germline.

Laboratory for Molecular Medicine, Mass General Brigham Personalized Medicine
Classification: Benign. Last evaluated: 2014-08-18. Review status: criteria provided, single submitter. Criteria: LMM Criteria. Collection method: clinical testing. Allele origin: germline. Observed: 2 variant alleles.
Comment: Cys2131Cys in exon 52 of FBN1: This variant is not expected to have clinical sig nificance because it does not alter an amino acid residue, is not located within the splice consensus sequence and has been identified in 1.7% (76/4396) of Afri can American chromosomes from a broad population by the NHLBI Exome Sequencing P roject (dbSNP rs61730051).

GeneDx
Classification: Benign. Last evaluated: 2014-02-06. Review status: criteria provided, single submitter. Criteria: GeneDx Variant Classification (06012015). Collection method: clinical testing. Allele origin: germline. Affected: yes.
Comment: This variant is considered likely benign or benign based on one or more of the following criteria: it is a conservative change, it occurs at a poorly conserved position in the protein, it is predicted to be benign by multiple in silico algorithms, and/or has population frequency not consistent with disease.

Clinical Genetics DNA and cytogenetics Diagnostics Lab, Erasmus MC, Erasmus Medical Center
Classification: Benign. Review status: no assertion criteria provided. Collection method: clinical testing. Allele origin: germline. Affected: yes. Study: VKGL Data-share Consensus. Not counted in ClinVar's aggregate classification.

Genome Diagnostics Laboratory, Amsterdam University Medical Center
Classification: Benign. Review status: no assertion criteria provided. Collection method: clinical testing. Allele origin: germline. Affected: yes. Study: VKGL Data-share Consensus. Not counted in ClinVar's aggregate classification.